The following is an entry in ClinVar:

ClinVar aggregate classification (germline): Uncertain significance (1 of 4 stars; one submission).

Conditions:
EGFR-related lung cancer (EGFR). Identifiers: MedGen CN130014.

Submission:

Labcorp Genetics (formerly Invitae), Labcorp
Classification: Uncertain significance for EGFR-related lung cancer. Last evaluated: 2021-10-19. Review status: criteria provided, single submitter. Criteria: Invitae Variant Classification Sherloc (09022015). Collection method: clinical testing. Allele origin: germline.
Comment: In summary, the available evidence is currently insufficient to determine the role of this variant in disease. Therefore, it has been classified as a Variant of Uncertain Significance. Variants that disrupt the consensus splice site are a relatively common cause of aberrant splicing (PMID: 17576681, 9536098). Algorithms developed to predict the effect of sequence changes on RNA splicing suggest that this variant may disrupt the consensus splice site. This variant has not been reported in the literature in individuals affected with EGFR-related conditions. This variant is not present in population databases (ExAC no frequency). This sequence change falls in intron 6 of the EGFR gene. It does not directly change the encoded amino acid sequence of the EGFR protein. It affects a nucleotide within the consensus splice site.

Literature cited by the submitters: PubMed 17576681; PubMed 9536098.

NM_005228.5(EGFR):c.747+3A>G

Gene: EGFR (epidermal growth factor receptor; plus strand). Cytogenetic location: 7p11.2.
Variant type: single nucleotide variant.
Coding change: c.747+3A>G on transcript NM_005228.5 (MANE Select); 3 bases into the intron after coding-DNA position 747, A replaced by G.
Molecular consequence: intron variant.
Genome position (GRCh38, 1-based): chr7:55,152,667, A>G. VCF-style: chr7-55152667-A-G. GRCh37 (hg19) VCF-style: chr7-55220360-A-G.
Other names: c.612+3A>G (NM_001346899.2, NM_001346897.2); c.89-3163A>G (NM_001346941.2); c.747+3A>G (NM_001346898.2, NM_201284.2, NM_201282.2 and 1 more transcripts); c.588+3A>G (NM_001346900.2).
Identifiers: ClinVar variation 1415011 (VCV001415011.6), dbSNP rs2128933919, ClinGen allele CA2573142209.